The following is an entry in ClinVar:

ClinVar aggregate classification (germline): Pathogenic (1 of 4 stars; one submission).

Submission:

Labcorp Genetics (formerly Invitae), Labcorp
Classification: Pathogenic. Last evaluated: 2025-05-25. Review status: criteria provided, single submitter. Criteria: Invitae Variant Classification Sherloc (09022015). Collection method: clinical testing. Allele origin: germline.
Comment: This sequence change creates a premature translational stop signal (p.Met550Tyrfs*23) in the CDAN1 gene. It is expected to result in an absent or disrupted protein product. Loss-of-function variants in CDAN1 are known to be pathogenic (PMID: 16098079, 16141353). This variant is not present in population databases (gnomAD no frequency). This variant has not been reported in the literature in individuals affected with CDAN1-related conditions. For these reasons, this variant has been classified as Pathogenic.

Literature cited by the submitters: PubMed 16098079; PubMed 16141353.

NM_138477.4(CDAN1):c.1647dup (p.Met550fs)

Gene: CDAN1 (codanin 1; minus strand). Cytogenetic location: 15q15.2.
Variant type: Duplication.
Coding change: c.1647dup on transcript NM_138477.4 (MANE Select); coding-DNA position 1647, one base duplicated (T; older notation c.1647dupT).
Protein change: p.Met550fs; shifts the reading frame from methionine 550.
Molecular consequence: frameshift variant.
Genome position (GRCh38, 1-based): chr15:42,731,712, A duplicated on the plus strand (T on the coding strand, the reverse complement: CDAN1 is on the minus strand); the first of 2 consecutive A bases (chr15:42,731,712-42,731,713); duplicating either gives the same sequence. VCF-style (leftmost placement, unchanged base first): chr15-42731711-T-TA. GRCh37 (hg19) VCF-style: chr15-43023909-T-TA.
Other names: short protein forms M550fs.
Identifiers: ClinVar variation 4773903 (VCV004773903.1).